The following is an entry in ClinVar:

ClinVar aggregate classification (germline): Uncertain significance (1 of 4 stars; one submission).

Conditions:
Ullrich congenital muscular dystrophy 2 (UCMD2). Identifiers: Orphanet 75840, MedGen C4225314, MONDO:0014654, OMIM 616470.
Bethlem myopathy 2 (BTHLM2). Identifiers: Orphanet 536516, Orphanet 610, MedGen C4225313, MONDO:0034022, OMIM 616471.

Allele frequency attached by ClinVar (database versions not stated): gnomAD exomes below 0.00001 and 0.00001; TOPMed below 0.00001; gnomAD 0.00001; ExAC 0.00002; ESP Exome Variant Server 0.00008.
gnomAD v4.1: 8 of 1,613,976 alleles (0.0005%); highest among the groups gnomAD compares: South Asian, 0.0011%; no homozygotes.

Submission:

Labcorp Genetics (formerly Invitae), Labcorp
Classification: Uncertain significance for Bethlem myopathy 2; Ullrich congenital muscular dystrophy 2. Last evaluated: 2024-08-30. Review status: criteria provided, single submitter. Criteria: Invitae Variant Classification Sherloc (09022015). Collection method: clinical testing. Allele origin: germline.
Comment: This sequence change replaces alanine, which is neutral and non-polar, with glycine, which is neutral and non-polar, at codon 885 of the COL12A1 protein (p.Ala885Gly). This variant is present in population databases (rs371518967, gnomAD 0.009%). This variant has not been reported in the literature in individuals affected with COL12A1-related conditions. ClinVar contains an entry for this variant (Variation ID: 1462210). Invitae Evidence Modeling of protein sequence and biophysical properties (such as structural, functional, and spatial information, amino acid conservation, physicochemical variation, residue mobility, and thermodynamic stability) has been performed for this missense variant. However, the output from this modeling did not meet the statistical confidence thresholds required to predict the impact of this variant on COL12A1 protein function. Algorithms developed to predict the effect of sequence changes on RNA splicing suggest that this variant may create or strengthen a splice site. In summary, the available evidence is currently insufficient to determine the role of this variant in disease. Therefore, it has been classified as a Variant of Uncertain Significance.

NM_004370.6(COL12A1):c.2654C>G (p.Ala885Gly)

Gene: COL12A1 (collagen type XII alpha 1 chain; minus strand). Cytogenetic location: 6q13.
Variant type: single nucleotide variant.
Coding change: c.2654C>G on transcript NM_004370.6 (MANE Select); coding-DNA position 2654, C replaced by G.
Protein change: p.Ala885Gly; replaces alanine 885 with glycine.
Molecular consequence: missense variant. On other transcripts: intron variant (1).
Genome position (GRCh38, 1-based): chr6:75,175,094, G>C on the plus strand (C>G on the coding strand, the complement: COL12A1 is on the minus strand). VCF-style: chr6-75175094-G-C. GRCh37 (hg19) VCF-style: chr6-75884810-G-C.
Other names: c.74-22612C>G (NM_080645.3); short protein forms A885G.
Identifiers: ClinVar variation 1462210 (VCV001462210.10), dbSNP rs371518967, ClinGen allele CA3893921.
Genomic context (GRCh38, chr6:75,175,094, plus strand): 5'-TTACCTTCAAGTGTTGTTCCTTCACCAAAGAGGGCGTCTCCAGCCCCAGACGCATACAAG[G>C]CTGTCACAGATAAGGCGTATTGTGTCCCTTCCTTCAATCCCTGCAGCACCGTATTGGTTG-3'
Protein context (NP_004361.3, residues 875-895): EGTQYALSVT[Ala885Gly]LYASGAGDAL